The following is an entry in ClinVar:

NM_000406.2(GNRHR):c.-1702A>G

Gene: GNRHR (gonadotropin releasing hormone receptor; minus strand). Cytogenetic location: 4q13.2.
Variant type: single nucleotide variant.
Coding change: c.-1702A>G on transcript NM_000406.2; 1702 bases upstream of the start codon, A replaced by G.
Genome position (GRCh38, 1-based): chr4:67,756,037, T>C on the plus strand (A>G on the coding strand, the complement: GNRHR is on the minus strand). VCF-style: chr4-67756037-T-C. GRCh37 (hg19) VCF-style: chr4-68621755-T-C.
Identifiers: ClinVar variation 904934 (VCV000904934.6), dbSNP rs560099007, ClinGen allele CA98672869.

ClinVar aggregate classification (germline): Uncertain significance (1 of 4 stars; one submission).

Conditions:
Hypogonadotropic hypogonadism 7 with or without anosmia (HH7). Also called: HYPOGONADOTROPIC HYPOGONADISM 7 WITHOUT ANOSMIA; GNRHR-Related GnRH Deficiency. Identifiers: Orphanet 432, MedGen C0342384, MONDO:0007794, OMIM 146110.

Allele frequency attached by ClinVar (database versions not stated): gnomAD 0.00019 and 0.00007; 1000 Genomes Project 0.00100; TOPMed 0.00009; 1000 Genomes Project 30x 0.00078.

Submission:

Illumina Laboratory Services, Illumina
Classification: Uncertain significance for Hypogonadotropic hypogonadism 7 with or without anosmia. Last evaluated: 2017-04-27. Review status: criteria provided, single submitter. Criteria: ICSL Variant Classification Criteria 13 December 2019. Collection method: clinical testing. Allele origin: germline.
Comment: This variant was observed as part of a predisposition screen in an ostensibly healthy population. A literature search was performed for the gene, cDNA change, and amino acid change (where applicable). Publications were found based on this search. However, the evidence from the literature, in combination with allele frequency data from public databases where available, was not sufficient to rule this variant in or out of causing disease. Therefore, this variant is classified as a variant of unknown significance.

Literature cited by the submitters: PubMed 10772899.